The following is an entry in ClinVar:

NM_006796.3(AFG3L2):c.393del (p.Gln132fs)

Gene: AFG3L2 (AFG3 like matrix AAA peptidase subunit 2; minus strand). Cytogenetic location: 18p11.21.
Variant type: Deletion.
Coding change: c.393del on transcript NM_006796.3 (MANE Select); coding-DNA position 393, one base deleted (T; older notation c.393delT).
Protein change: p.Gln132fs; shifts the reading frame from glutamine 132.
Molecular consequence: frameshift variant.
Genome position (GRCh38, 1-based): chr18:12,367,282, A deleted on the plus strand (T on the coding strand, the reverse complement: AFG3L2 is on the minus strand); the first of 3 consecutive A bases (chr18:12,367,282-12,367,284); deleting any one gives the same sequence. VCF-style (leftmost placement, unchanged base first): chr18-12367281-GA-G. GRCh37 (hg19) VCF-style: chr18-12367280-GA-G.
Other names: short protein forms Q132fs.
Identifiers: ClinVar variation 5005859 (VCV005005859.2).
Genomic context (GRCh38, chr18:12,367,281, plus strand): 5'-CCTTCTCTGGGCCACCATCATAACCTCAAAATTCACACAATGTATAGCATCAAACCTTCT[GA>G]AACCTGGACCACCAGTGAGAATCATCTTTCTTGCCACCTCGTTTTCCACCGCCACCACCT-3'

ClinVar aggregate classification (germline): Likely pathogenic (1 of 4 stars; one submission).

Conditions:
Spastic ataxia 5. Also called: Spastic Ataxia Type 5 (SPAX5). Identifiers: Orphanet 313772, MedGen C3280977, MONDO:0013776, OMIM 614487.

Submission:

Juno Genomics, Hangzhou Juno Genomics, Inc
Classification: Likely pathogenic for Spastic ataxia 5. Review status: criteria provided, single submitter. Criteria: ACMG Guidelines, 2015. Collection method: clinical testing. Allele origin: germline.
Comment: Null variant in a gene where loss of function (LOF) is a known mechanism of disease.;Absent from controls (or at extremely low frequency if recessive) in Genome Aggregation Database.